The following is an entry in ClinVar:

ClinVar aggregate classification (germline): Uncertain significance (1 of 4 stars; one submission).

gnomAD v4.1: 1 of 1,613,346 alleles (0.000062%); highest among the groups gnomAD compares: Non-Finnish European, 0.000085%; no homozygotes.

Submission:

Labcorp Genetics (formerly Invitae), Labcorp
Classification: Uncertain significance. Last evaluated: 2024-06-26. Review status: criteria provided, single submitter. Criteria: Invitae Variant Classification Sherloc (09022015). Collection method: clinical testing. Allele origin: germline.
Comment: This sequence change replaces serine, which is neutral and polar, with tyrosine, which is neutral and polar, at codon 933 of the CFH protein (p.Ser933Tyr). This variant is not present in population databases (gnomAD no frequency). This variant has not been reported in the literature in individuals affected with CFH-related conditions. An algorithm developed to predict the effect of missense changes on protein structure and function (PolyPhen-2) suggests that this variant is likely to be disruptive. In summary, the available evidence is currently insufficient to determine the role of this variant in disease. Therefore, it has been classified as a Variant of Uncertain Significance.

NM_000186.4(CFH):c.2798C>A (p.Ser933Tyr)

Gene: CFH (complement factor H; plus strand). Cytogenetic location: 1q31.3.
Variant type: single nucleotide variant.
Coding change: c.2798C>A on transcript NM_000186.4 (MANE Select); coding-DNA position 2798, C replaced by A.
Protein change: p.Ser933Tyr; replaces serine 933 with tyrosine.
Molecular consequence: missense variant.
Genome position (GRCh38, 1-based): chr1:196,740,634, C>A. VCF-style: chr1-196740634-C-A. GRCh37 (hg19) VCF-style: chr1-196709764-C-A.
Other names: short protein forms S933Y.
Identifiers: ClinVar variation 3676573 (VCV003676573.2).